The following is an entry in ClinVar:

ClinVar aggregate classification (germline): Uncertain significance (1 of 4 stars; one submission).

Submission:

Ambry Genetics
Classification: Uncertain significance. Last evaluated: 2023-05-15. Review status: criteria provided, single submitter. Criteria: Ambry Variant Classification Scheme 2023. Collection method: clinical testing. Allele origin: germline.
Comment: The p.D398N variant (also known as c.1192G>A), located in coding exon 11 of the RAD54L gene, results from a G to A substitution at nucleotide position 1192. The aspartic acid at codon 398 is replaced by asparagine, an amino acid with highly similar properties. This amino acid position is conserved. In addition, this alteration is predicted to be tolerated by in silico analysis. Since supporting evidence is limited at this time, the clinical significance of this alteration remains unclear.

NM_003579.4(RAD54L):c.1192G>A (p.Asp398Asn)

Gene: RAD54L (RAD54 like; plus strand). Cytogenetic location: 1p34.1.
Variant type: single nucleotide variant.
Coding change: c.1192G>A on transcript NM_003579.4 (MANE Select); coding-DNA position 1192, G replaced by A.
Protein change: p.Asp398Asn; replaces aspartic acid 398 with asparagine.
Molecular consequence: missense variant.
Genome position (GRCh38, 1-based): chr1:46,272,488, G>A. VCF-style: chr1-46272488-G-A. GRCh37 (hg19) VCF-style: chr1-46738160-G-A.
Other names: c.1192G>A, p.Asp398Asn (NM_001142548.2); c.652G>A, p.Asp218Asn (NM_001370766.1); short protein forms D218N, D398N.
Identifiers: ClinVar variation 2562805 (VCV002562805.2), dbSNP rs768382893, ClinGen allele CA340176944.
Genomic context (GRCh38, chr1:46,272,488, plus strand): 5'-TTTACCAGCCTCTTGCCTTTTTATCCTGTTTTCTCTAGATGCCTGATACGGAGGACTTCT[G>A]ATATCCTTTCTAAATATCTGCCTGTGAAGATTGAGCAGGTCGTTTGTTGTAGGTACTGAA-3'
Protein context (NP_003570.2, residues 388-408): VNRCLIRRTS[Asp398Asn]ILSKYLPVKI